The following is an entry in ClinVar:

ClinVar aggregate classification (germline): Uncertain significance (1 of 4 stars; one submission).

Conditions:
Familial cold autoinflammatory syndrome 3 (FCAS3). Also called: FAMILIAL ATYPICAL COLD URTICARIA; ANTIBODY DEFICIENCY AND IMMUNE DYSREGULATION, PLCG2-ASSOCIATED. Identifiers: Orphanet 300359, MedGen C3280914, MONDO:0013766, OMIM 614468.

Allele frequency attached by ClinVar (database versions not stated): gnomAD 0.00001; TOPMed 0.00001.
gnomAD v4.1: 5 of 1,613,638 alleles (0.00031%); highest among the groups gnomAD compares: East Asian, 0.0022%; no homozygotes.

Submission:

Labcorp Genetics (formerly Invitae), Labcorp
Classification: Uncertain significance for Familial cold autoinflammatory syndrome 3. Last evaluated: 2022-04-07. Review status: criteria provided, single submitter. Criteria: Invitae Variant Classification Sherloc (09022015). Collection method: clinical testing. Allele origin: germline.
Comment: This variant has not been reported in the literature in individuals affected with PLCG2-related conditions. This variant is not present in population databases (gnomAD no frequency). This sequence change replaces arginine, which is basic and polar, with glutamine, which is neutral and polar, at codon 579 of the PLCG2 protein (p.Arg579Gln). Algorithms developed to predict the effect of missense changes on protein structure and function are either unavailable or do not agree on the potential impact of this missense change (SIFT: "Tolerated"; PolyPhen-2: "Probably Damaging"; Align-GVGD: "Class C0"). In summary, the available evidence is currently insufficient to determine the role of this variant in disease. Therefore, it has been classified as a Variant of Uncertain Significance. Algorithms developed to predict the effect of sequence changes on RNA splicing suggest that this variant may create or strengthen a splice site.

NM_002661.5(PLCG2):c.1736G>A (p.Arg579Gln)

Gene: PLCG2 (phospholipase C gamma 2; plus strand). Cytogenetic location: 16q23.3.
Variant type: single nucleotide variant.
Coding change: c.1736G>A on transcript NM_002661.5 (MANE Select); coding-DNA position 1736, G replaced by A.
Protein change: p.Arg579Gln; replaces arginine 579 with glutamine.
Molecular consequence: missense variant.
Genome position (GRCh38, 1-based): chr16:81,910,522, G>A. VCF-style: chr16-81910522-G-A. GRCh37 (hg19) VCF-style: chr16-81944127-G-A.
Other names: short protein forms R579Q.
Identifiers: ClinVar variation 1958191 (VCV001958191.5), dbSNP rs1369745419, ClinGen allele CA396900776.